The following is an entry in ClinVar:

NM_004006.3(DMD):c.3229_3233del (p.Ala1077fs)

Gene: DMD (dystrophin; minus strand). Cytogenetic location: Xp21.1.
Variant type: Deletion.
Coding change: c.3229_3233del on transcript NM_004006.3 (MANE Select); coding-DNA positions 3229 to 3233, 5 bases deleted (GCCCT; older notation c.3229_3233delGCCCT).
Protein change: p.Ala1077fs; shifts the reading frame from alanine 1077.
Molecular consequence: frameshift variant.
Genome position (GRCh38, 1-based): chrX:32,464,629-32,464,633, AGGGC deleted on the plus strand (GCCCT on the coding strand, the reverse complement: DMD is on the minus strand); deleting any 5 consecutive bases within chrX:32,464,629-32,464,636 gives the same sequence; the c. name uses the placement nearest the transcript's 3' end. VCF-style (leftmost placement, unchanged base first): chrX-32464628-AAGGGC-A. GRCh37 (hg19) VCF-style: chrX-32482745-AAGGGC-A.
Other names: c.3205_3209del, p.Ala1069fs (NM_000109.4); c.3226_3230delCCTGC, p.Ala1077Trpfs (NM_004006.2); c.3217_3221del, p.Ala1073fs (NM_004009.3); c.2860_2864del, p.Ala954fs (NM_004010.3); short protein forms A1069fs, A1073fs, A1077fs, A954fs.
Identifiers: ClinVar variation 2572633 (VCV002572633.1), dbSNP rs2524537067, ClinGen allele CA2580616942.

ClinVar aggregate classification (germline): Likely pathogenic (1 of 4 stars; one submission).

Conditions:
Duchenne muscular dystrophy (DMD). Also called: Duchenne Muscular Dystrophy (DMD); MUSCULAR DYSTROPHY, PSEUDOHYPERTROPHIC PROGRESSIVE, DUCHENNE TYPE. Identifiers: Orphanet 98896, MedGen C0013264, MONDO:0010679, OMIM 310200.

Submission:

Laboratory of Medical Genetics, National & Kapodistrian University of Athens
Classification: Likely pathogenic for Duchenne muscular dystrophy. Last evaluated: 2022-11-19. Review status: criteria provided, single submitter. Criteria: ACMG Guidelines, 2015. Collection method: clinical testing. Allele origin: germline. Affected: yes.
Comment: PVS1, PM2